The following is an entry in ClinVar:

ClinVar aggregate classification (germline): Benign. Review status: criteria provided, multiple submitters, no conflicts (2 of 4 stars). 3 submissions from 3 submitters: Benign (2). 1 of the submissions does not count toward it. Last evaluated 2026-01-08.

Conditions:
ERMARD-related disorder. Also called: ERMARD-related condition.

Allele frequency attached by ClinVar (database versions not stated): 1000 Genomes Project 0.00599; 1000 Genomes Project 30x 0.00640; TOPMed 0.01128; gnomAD 0.01153 and 0.01166; gnomAD exomes 0.01157 and 0.01848; ExAC 0.01222; ESP Exome Variant Server 0.01284.
gnomAD v4.1: 28,495 of 1,614,166 alleles (1.8%); highest among the groups gnomAD compares: Non-Finnish European, 2.2%; 346 homozygotes.

Submissions (3):

Labcorp Genetics (formerly Invitae), Labcorp
Classification: Benign. Last evaluated: 2026-01-08. Review status: criteria provided, single submitter. Criteria: Invitae Variant Classification Sherloc (09022015). Collection method: clinical testing. Allele origin: germline.

GeneDx
Classification: Benign. Last evaluated: 2016-10-06. Review status: criteria provided, single submitter. Criteria: GeneDx Variant Classification (06012015). Collection method: clinical testing. Allele origin: germline. Affected: yes.
Comment: This variant is considered likely benign or benign based on one or more of the following criteria: it is a conservative change, it occurs at a poorly conserved position in the protein, it is predicted to be benign by multiple in silico algorithms, and/or has population frequency not consistent with disease.

PreventionGenetics, part of Exact Sciences
Classification: Benign for ERMARD-related condition. Last evaluated: 2019-12-04. Review status: no assertion criteria provided. Collection method: clinical testing. Allele origin: germline. Not counted in ClinVar's aggregate classification.
Comment: This variant is classified as benign based on ACMG/AMP sequence variant interpretation guidelines (Richards et al. 2015 PMID: 25741868, with internal and published modifications).

NM_018341.3(ERMARD):c.274A>G (p.Ile92Val)

Gene: ERMARD (ER membrane associated RNA degradation; plus strand). Cytogenetic location: 6q27.
Variant type: single nucleotide variant.
Coding change: c.274A>G on transcript NM_018341.3 (MANE Select); coding-DNA position 274, A replaced by G.
Protein change: p.Ile92Val; replaces isoleucine 92 with valine.
Molecular consequence: missense variant. On other transcripts: 5 prime UTR variant (1).
Genome position (GRCh38, 1-based): chr6:169,755,381, A>G. VCF-style: chr6-169755381-A-G. GRCh37 (hg19) VCF-style: chr6-170155477-A-G.
Other names: c.274A>G, p.Ile92Val (NM_001278531.2, NM_001278533.2); c.-105A>G (NM_001278532.2); short protein forms I92V.
Identifiers: ClinVar variation 380810 (VCV000380810.11), dbSNP rs17860632, ClinGen allele CA4105780.